The following is an entry in ClinVar:

NM_201384.3(PLEC):c.10025C>G (p.Ser3342Trp)

Gene: PLEC (plectin; minus strand). Cytogenetic location: 8q24.3.
Variant type: single nucleotide variant.
Coding change: c.10025C>G on transcript NM_201384.3 (MANE Select); coding-DNA position 10025, C replaced by G.
Protein change: p.Ser3342Trp; replaces serine 3342 with tryptophan.
Molecular consequence: missense variant.
Genome position (GRCh38, 1-based): chr8:143,919,796, G>C on the plus strand (C>G on the coding strand, the complement: PLEC is on the minus strand). VCF-style: chr8-143919796-G-C. GRCh37 (hg19) VCF-style: chr8-144993964-G-C.
Other names: c.10106C>G (NM_000445.3); c.10106C>G, p.Ser3369Trp (NM_000445.5); c.9983C>G, p.Ser3328Trp (NM_201378.4); c.9959C>G, p.Ser3320Trp (NM_201379.3); c.10436C>G, p.Ser3479Trp (NM_201380.4); c.9929C>G, p.Ser3310Trp (NM_201381.3); c.10025C>G, p.Ser3342Trp (NM_201382.4); c.10037C>G, p.Ser3346Trp (NM_201383.3); short protein forms S3320W, S3346W, S3369W, S3479W, S3310W, S3328W, S3342W.
Identifiers: ClinVar variation 471512 (VCV000471512.12), dbSNP rs538702691, ClinGen allele CA187609551.

ClinVar aggregate classification (germline): Uncertain significance. Review status: criteria provided, multiple submitters, no conflicts (2 of 4 stars). 2 submissions from 2 submitters: Uncertain significance (2). Last evaluated 2024-07-22.

Conditions:
Epidermolysis bullosa simplex with nail dystrophy (EBS5D). Identifiers: MedGen C4225309, MONDO:0014661, OMIM 616487.
Epidermolysis bullosa simplex, Ogna type (EBS5A). Also called: Pidermolysis bullosa simplex 5A, Ogna type; EPIDERMOLYSIS BULLOSA SIMPLEX 5A, OGNA TYPE. Identifiers: Orphanet 79401, MedGen C0432317, MONDO:0007555, OMIM 131950.
Autosomal recessive limb-girdle muscular dystrophy type 2Q (LGMDR17). Also called: MUSCULAR DYSTROPHY, LIMB-GIRDLE, AUTOSOMAL RECESSIVE 17. Identifiers: Orphanet 254361, MedGen C3150989, MONDO:0013390, OMIM 613723.
Epidermolysis bullosa simplex 5C, with pyloric atresia (EBS5C). Also called: PLEC-Related Epidermolysis Bullosa with Pyloric Atresia; Epidermolysis bullosa simplex with pyloric atresia; PLEC1-Related Epidermolysis Bullosa with Pyloric Atresia. Identifiers: Orphanet 158684, MedGen C2677349, MONDO:0012807, OMIM 612138.
Epidermolysis bullosa simplex 5B, with muscular dystrophy (EBS5B). Also called: EPIDERMOLYSIS BULLOSA SIMPLEX AND LIMB-GIRDLE MUSCULAR DYSTROPHY; Epidermolysis bullosa simplex with muscular dystrophy. Identifiers: Orphanet 257, MedGen C2931072, MONDO:0009181, OMIM 226670.

gnomAD v4.1: 2 of 1,612,670 alleles (0.00012%); highest among the groups gnomAD compares: African/African-American, 0.0013%; no homozygotes.

Submissions (2):

GeneDx
Classification: Uncertain significance. Last evaluated: 2024-07-22. Review status: criteria provided, single submitter. Criteria: GeneDx Variant Classification Process June 2021. Collection method: clinical testing. Allele origin: germline. Affected: yes.
Comment: Not observed at significant frequency in large population cohorts (gnomAD); In silico analysis supports that this missense variant has a deleterious effect on protein structure/function; Missense variant in a gene in which most reported pathogenic variants are truncating/loss of function; Has not been previously published as pathogenic or benign to our knowledge

Labcorp Genetics (formerly Invitae), Labcorp
Classification: Uncertain significance for Autosomal recessive limb-girdle muscular dystrophy type 2Q; Epidermolysis bullosa simplex, Ogna type; Epidermolysis bullosa simplex with nail dystrophy; Epidermolysis bullosa simplex 5C, with pyloric atresia; Epidermolysis bullosa simplex 5B, with muscular dystrophy. Last evaluated: 2019-05-08. Review status: criteria provided, single submitter. Criteria: Invitae Variant Classification Sherloc (09022015). Collection method: clinical testing. Allele origin: germline.
Comment: In summary, the available evidence is currently insufficient to determine the role of this variant in disease. Therefore, it has been classified as a Variant of Uncertain Significance. Algorithms developed to predict the effect of missense changes on protein structure and function (SIFT, PolyPhen-2, Align-GVGD) all suggest that this variant is likely to be disruptive, but these predictions have not been confirmed by published functional studies and their clinical significance is uncertain. This variant has not been reported in the literature in individuals with PLEC-related disease. This variant is not present in population databases (ExAC no frequency). This sequence change replaces serine with tryptophan at codon 3369 of the PLEC protein (p.Ser3369Trp). The serine residue is highly conserved and there is a large physicochemical difference between serine and tryptophan.